The following is an entry in ClinVar:

NM_032119.4(ADGRV1):c.16514G>A (p.Arg5505Gln)

Gene: ADGRV1 (adhesion G protein-coupled receptor V1; plus strand). Cytogenetic location: 5q14.3.
Variant type: single nucleotide variant.
Coding change: c.16514G>A on transcript NM_032119.4 (MANE Select); coding-DNA position 16514, G replaced by A.
Protein change: p.Arg5505Gln; replaces arginine 5505 with glutamine.
Molecular consequence: missense variant. On other transcripts: non-coding transcript variant (1).
Genome position (GRCh38, 1-based): chr5:90,829,089, G>A. VCF-style: chr5-90829089-G-A. GRCh37 (hg19) VCF-style: chr5-90124906-G-A.
Other names: short protein forms R5505Q.
Identifiers: ClinVar variation 1016921 (VCV001016921.4), dbSNP rs765765205, ClinGen allele CA3342169.

ClinVar aggregate classification (germline): Uncertain significance. Review status: criteria provided, multiple submitters, no conflicts (2 of 4 stars). 2 submissions from 2 submitters: Uncertain significance (2). Last evaluated 2024-01-02.

Allele frequency attached by ClinVar (database versions not stated): gnomAD exomes 0.00001 and 0.00002; ExAC 0.00002; gnomAD 0.00002; TOPMed 0.00002.
gnomAD v4.1: 38 of 1,612,230 alleles (0.0024%); highest among the groups gnomAD compares: Non-Finnish European, 0.0031%; no homozygotes.

Submissions (2):

Labcorp Genetics (formerly Invitae), Labcorp
Classification: Uncertain significance. Last evaluated: 2024-01-02. Review status: criteria provided, single submitter. Criteria: Invitae Variant Classification Sherloc (09022015). Collection method: clinical testing. Allele origin: germline.
Comment: This sequence change replaces arginine, which is basic and polar, with glutamine, which is neutral and polar, at codon 5505 of the ADGRV1 protein (p.Arg5505Gln). This variant is present in population databases (rs765765205, gnomAD 0.002%). This missense change has been observed in individual(s) with deafness (Invitae). In at least one individual the data is consistent with being in trans (on the opposite chromosome) from a pathogenic variant. ClinVar contains an entry for this variant (Variation ID: 1016921). Advanced modeling of protein sequence and biophysical properties (such as structural, functional, and spatial information, amino acid conservation, physicochemical variation, residue mobility, and thermodynamic stability) performed at Invitae indicates that this missense variant is not expected to disrupt ADGRV1 protein function with a negative predictive value of 95%. In summary, the available evidence is currently insufficient to determine the role of this variant in disease. Therefore, it has been classified as a Variant of Uncertain Significance.

Blueprint Genetics
Classification: Uncertain significance. Last evaluated: 2020-02-28. Review status: criteria provided, single submitter. Criteria: ACMG Guidelines, 2015. Collection method: clinical testing. Allele origin: germline.